The following is an entry in ClinVar:

ClinVar aggregate classification (germline): Uncertain significance (1 of 4 stars; one submission).

Conditions:
Oto-palato-digital syndrome, type II (OPD2). Also called: FACIOPALATOOSSEOUS SYNDROME; OPD II SYNDROME; Otopalatodigital Syndrome, Type II; Otopalatodigital Syndrome Type 2 (FLNA-OPD2). Identifiers: Orphanet 669, Orphanet 90652, MedGen C1844696, MONDO:0010571, OMIM 304120.
Heterotopia, periventricular, X-linked dominant (PVNH1). Also called: PERIVENTRICULAR NODULAR HETEROTOPIA 1; X-linked periventricular heterotopia; PERIVENTRICULAR NODULAR HETEROTOPIA 4; HETEROTOPIA, PERIVENTRICULAR, 1. Identifiers: Orphanet 2149, Orphanet 82004, MedGen C1848213, MONDO:0010233, OMIM 300049.
Frontometaphyseal dysplasia (FMD1). Identifiers: Orphanet 1826, MedGen C0265293, MONDO:0015942.
Melnick-Needles syndrome (MNS). Also called: MELNICK-NEEDLES OSTEODYSPLASTY; OSTEODYSPLASTY OF MELNICK AND NEEDLES; Melnick-Needles Syndrome (FLNA-MNS). Identifiers: Orphanet 2484, MedGen C0025237, MONDO:0010650, OMIM 309350.

Submission:

Labcorp Genetics (formerly Invitae), Labcorp
Classification: Uncertain significance for Oto-palato-digital syndrome, type II; Heterotopia, periventricular, X-linked dominant; Frontometaphyseal dysplasia; Melnick-Needles syndrome. Last evaluated: 2023-07-17. Review status: criteria provided, single submitter. Criteria: Invitae Variant Classification Sherloc (09022015). Collection method: clinical testing. Allele origin: germline.
Comment: In summary, the available evidence is currently insufficient to determine the role of this variant in disease. Therefore, it has been classified as a Variant of Uncertain Significance. Advanced modeling of protein sequence and biophysical properties (such as structural, functional, and spatial information, amino acid conservation, physicochemical variation, residue mobility, and thermodynamic stability) performed at Invitae indicates that this missense variant is not expected to disrupt FLNA protein function. This variant has not been reported in the literature in individuals affected with FLNA-related conditions. This variant is not present in population databases (gnomAD no frequency). This sequence change replaces aspartic acid, which is acidic and polar, with glutamic acid, which is acidic and polar, at codon 375 of the FLNA protein (p.Asp375Glu).

NM_001110556.2(FLNA):c.1125T>G (p.Asp375Glu)

Gene: FLNA (filamin A; minus strand). Cytogenetic location: Xq28.
Variant type: single nucleotide variant.
Coding change: c.1125T>G on transcript NM_001110556.2 (MANE Select); coding-DNA position 1125, T replaced by G.
Protein change: p.Asp375Glu; replaces aspartic acid 375 with glutamic acid.
Molecular consequence: missense variant.
Genome position (GRCh38, 1-based): chrX:154,366,411, A>C on the plus strand (T>G on the coding strand, the complement: FLNA is on the minus strand). VCF-style: chrX-154366411-A-C. GRCh37 (hg19) VCF-style: chrX-153594779-A-C.
Other names: c.1125T>G, p.Asp375Glu (NM_001456.4); short protein forms D375E.
Identifiers: ClinVar variation 2933266 (VCV002933266.3), dbSNP rs2522761080, ClinGen allele CA415244601.